The following is an entry in ClinVar:

NM_000044.6(AR):c.2505C>G (p.Tyr835Ter)

Gene: AR (androgen receptor; plus strand). Cytogenetic location: Xq12.
Variant type: single nucleotide variant.
Coding change: c.2505C>G on transcript NM_000044.6 (MANE Select); coding-DNA position 2505, C replaced by G.
Protein change: p.Tyr835Ter; replaces tyrosine 835 with a stop codon.
Molecular consequence: nonsense.
Genome position (GRCh38, 1-based): chrX:67,722,882, C>G. VCF-style: chrX-67722882-C-G. GRCh37 (hg19) VCF-style: chrX-66942724-C-G.
Other names: c.909C>G, p.Tyr303Ter (NM_001011645.3); short protein forms Y303*, Y835*.
Identifiers: ClinVar variation 1698789 (VCV001698789.2), dbSNP rs2147537887, ClinGen allele CA413427780.
Genomic context (GRCh38, chrX:67,722,882, plus strand): 5'-ATCAGTTCCAGTGGATGGGCTGAAAAATCAAAAATTCTTTGATGAACTTCGAATGAACTA[C>G]ATCAAGGAACTCGATCGTATCATTGCATGCAAAAGAAAAAATCCCACATCCTGCTCAAGA-3'

ClinVar aggregate classification (germline): Pathogenic (1 of 4 stars; one submission).

Conditions:
Androgen resistance syndrome (AIS). Also called: Androgen insensitivity syndrome due to coactivator deficiency; Androgen insensitivity; ANDROGEN RECEPTOR DEFICIENCY; DIHYDROTESTOSTERONE RECEPTOR DEFICIENCY; DHTR DEFICIENCY; TESTICULAR FEMINIZATION SYNDROME. Identifiers: Orphanet 754, Orphanet 99429, MedGen C0039585, MONDO:0019154, OMIM 300068. Disease mechanism: loss of function.

Submission:

Genetics and Molecular Pathology, SA Pathology
Classification: Pathogenic for Androgen resistance syndrome. Last evaluated: 2021-01-21. Review status: criteria provided, single submitter. Criteria: ACMG Guidelines, 2015. Collection method: clinical testing. Allele origin: germline. Inheritance: X-linked recessive inheritance. Affected: yes.
Comment: The AR c.2505C>G variant is classified as a PATHOGENIC variant (PVS1, PM2, PP4) This is a nonsense variant of single nucleotide change from a cytosine to a guanine at position 2505, that is predicted to cause loss of normal protein function either by protein truncation or nonsense-mediated mRNA decay (PVS1). The variant has not been described in the literature to date. The variant has not been reported in dbSNP and is absent from population databases (PM2). The variant has not been reported in the ClinVar or HGMD disease databases. Patient's phenotype for this case is highly specific for the AR gene (PP4).